The following is an entry in ClinVar:

ClinVar aggregate classification (germline): Benign/Likely benign. Review status: criteria provided, multiple submitters, no conflicts (2 of 4 stars). 10 submissions from 10 submitters: Benign (9); Likely benign (1). Last evaluated 2026-02-04.

Conditions:
Netherton syndrome (NETH). Also called: NETHERTON DISEASE; ERYTHRODERMA, ICHTHYOSIFORM, WITH HYPOTRICHOSIS AND HYPER-IgE; COMEL-NETHERTON SYNDROME. Identifiers: Orphanet 634, MedGen C5574950, MONDO:0009735, OMIM 256500.
Ichthyosis linearis circumflexa. Identifiers: MedGen C0265962, MONDO:0043106, HP:0025810.

Allele frequency attached by ClinVar (database versions not stated): 1000 Genomes Project 30x 0.43051; ESP Exome Variant Server 0.43072; 1000 Genomes Project 0.43291; TOPMed 0.44526; ExAC 0.50575.
gnomAD v4.1: 805,012 of 1,585,766 alleles (51%); highest among the groups gnomAD compares: Admixed American, 66%; 212,251 homozygotes.

Submissions (10):

Labcorp Genetics (formerly Invitae), Labcorp
Classification: Benign for Ichthyosis linearis circumflexa. Last evaluated: 2026-02-04. Review status: criteria provided, single submitter. Criteria: Invitae Variant Classification Sherloc (09022015). Collection method: clinical testing. Allele origin: germline.

Women's Health and Genetics/Laboratory Corporation of America, LabCorp
Classification: Benign. Last evaluated: 2026-01-08. Review status: criteria provided, single submitter. Criteria: LabCorp Variant Classification Summary - May 2015. Collection method: clinical testing. Allele origin: germline.

Blueprint Genetics
Classification: Likely benign. Last evaluated: 2024-11-26. Review status: criteria provided, single submitter. Criteria: ACMG Guidelines, 2015. Collection method: clinical testing. Allele origin: germline.

Unidad de Genómica Garrahan, Hospital de Pediatría Garrahan
Classification: Benign. Last evaluated: 2024-01-24. Review status: criteria provided, single submitter. Criteria: ACMG Guidelines, 2015. Collection method: clinical testing. Allele origin: germline. Affected: no. Observed: 77 variant alleles.
Comment: This variant is classified as Benign based on local population frequency. This variant was detected in 88% of patients studied by a panel of primary immunodeficiencies. Number of patients: 77. Only high quality variants are reported.

Genome-Nilou Lab
Classification: Benign for Netherton syndrome. Last evaluated: 2021-07-15. Review status: criteria provided, single submitter. Criteria: ACMG Guidelines, 2015. Collection method: clinical testing. Allele origin: germline. Affected: no.

Mayo Clinic Laboratories, Mayo Clinic
Classification: Benign. Last evaluated: 2018-07-03. Review status: criteria provided, single submitter. Criteria: ACMG Guidelines, 2015. Collection method: clinical testing. Allele origin: germline. Observed: 98 variant alleles.

Illumina Laboratory Services, Illumina
Classification: Benign for Netherton syndrome. Last evaluated: 2018-01-13. Review status: criteria provided, single submitter. Criteria: ICSL Variant Classification Criteria 13 December 2019. Collection method: clinical testing. Allele origin: germline.
Comment: This variant was observed in the ICSL laboratory as part of a predisposition screen in an ostensibly healthy population. It had not been previously curated by ICSL or reported in the Human Gene Mutation Database (HGMD: prior to June 1st, 2018), and was therefore a candidate for classification through an automated scoring system. Utilizing variant allele frequency, disease prevalence and penetrance estimates, and inheritance mode, an automated score was calculated to assess if this variant is too frequent to cause the disease. Based on the score and internal cut-off values, a variant classified as benign is not then subjected to further curation. The score for this variant resulted in a classification of benign for this disease.

Laboratory for Molecular Medicine, Mass General Brigham Personalized Medicine
Classification: Benign. Last evaluated: 2016-03-28. Review status: criteria provided, single submitter. Criteria: LMM Criteria. Collection method: clinical testing. Allele origin: germline.
Comment: Variant identified in a genome or exome case(s) and assessed due to predicted null impact of the variant or pathogenic assertions in the literature or databases. Disclaimer: This variant has not undergone full assessment. The following are preliminary notes: Frequency

GeneDx
Classification: Benign. Last evaluated: 2015-03-03. Review status: criteria provided, single submitter. Criteria: GeneDx Variant Classification Process June 2021. Collection method: clinical testing. Allele origin: germline. Affected: yes.

PreventionGenetics, part of Exact Sciences
Classification: Benign. Review status: criteria provided, single submitter. Criteria: ACMG Guidelines, 2015. Collection method: clinical testing. Allele origin: germline.

NM_006846.4(SPINK5):c.1093-10A>G

Gene: SPINK5 (serine peptidase inhibitor Kazal type 5; plus strand). Cytogenetic location: 5q32.
Variant type: single nucleotide variant.
Coding change: c.1093-10A>G on transcript NM_006846.4 (MANE Select); 10 bases into the intron before coding-DNA position 1093, A replaced by G.
Molecular consequence: intron variant.
Genome position (GRCh38, 1-based): chr5:148,100,444, A>G. VCF-style: chr5-148100444-A-G. GRCh37 (hg19) VCF-style: chr5-147480007-A-G.
Other names: p.?; c.1093-10A>G (NM_001127698.2, NM_001127699.2).
Identifiers: ClinVar variation 260042 (VCV000260042.27), dbSNP rs2303062, ClinGen allele CA3495476.